The following is an entry in ClinVar:

NM_000043.6(FAS):c.328G>A (p.Gly110Arg)

Gene: FAS (Fas cell surface death receptor; plus strand). Cytogenetic location: 10q23.31.
Variant type: single nucleotide variant.
Coding change: c.328G>A on transcript NM_000043.6 (MANE Select); coding-DNA position 328, G replaced by A.
Protein change: p.Gly110Arg; replaces glycine 110 with arginine.
Molecular consequence: missense variant. On other transcripts: non-coding transcript variant (4).
Genome position (GRCh38, 1-based): chr10:89,007,831, G>A. VCF-style: chr10-89007831-G-A. GRCh37 (hg19) VCF-style: chr10-90767588-G-A.
Other names: c.328G>A, p.Gly110Arg (NM_001320619.2, NM_152871.4, NM_152872.4); c.373G>A, p.Gly125Arg (NM_001410956.1); short protein forms G125R, G110R.
Identifiers: ClinVar variation 3648075 (VCV003648075.2).

ClinVar aggregate classification (germline): Uncertain significance (1 of 4 stars; one submission).

Conditions:
Autoimmune lymphoproliferative syndrome type 1. Also called: AUTOIMMUNE LYMPHOPROLIFERATIVE SYNDROME, TYPE I, AUTOSOMAL DOMINANT. Identifiers: Orphanet 3261, MedGen C2717884, MONDO:0011158, OMIM 601859.

Submission:

Labcorp Genetics (formerly Invitae), Labcorp
Classification: Uncertain significance for Autoimmune lymphoproliferative syndrome. Last evaluated: 2024-04-26. Review status: criteria provided, single submitter. Criteria: Invitae Variant Classification Sherloc (09022015). Collection method: clinical testing. Allele origin: germline.
Comment: This sequence change replaces glycine, which is neutral and non-polar, with arginine, which is basic and polar, at codon 110 of the FAS protein (p.Gly110Arg). This variant is not present in population databases (gnomAD no frequency). This variant has not been reported in the literature in individuals affected with FAS-related conditions. Advanced modeling of protein sequence and biophysical properties (such as structural, functional, and spatial information, amino acid conservation, physicochemical variation, residue mobility, and thermodynamic stability) has been performed at Invitae for this missense variant, however the output from this modeling did not meet the statistical confidence thresholds required to predict the impact of this variant on FAS protein function. In summary, the available evidence is currently insufficient to determine the role of this variant in disease. Therefore, it has been classified as a Variant of Uncertain Significance.